The following is an entry in ClinVar:

ClinVar aggregate classification (germline): Likely pathogenic (1 of 4 stars; one submission).

Conditions:
Autosomal recessive early-onset Parkinson disease 6 (PARK6). Also called: PINK1 Type of Young-Onset Parkinson Disease; PINK1-Related Parkinson Disease; PARKINSON DISEASE 6, MODIFIER OF; PARKINSON DISEASE 6, EARLY-ONSET. Identifiers: Orphanet 2828, MedGen C1853833, MONDO:0011613, OMIM 605909.

Submission:

Neuberg Centre For Genomic Medicine, NCGM
Classification: Likely pathogenic for Autosomal recessive early-onset Parkinson disease 6. Last evaluated: 2023-06-22. Review status: criteria provided, single submitter. Criteria: ACMG Guidelines, 2015. Collection method: clinical testing. Allele origin: germline. Inheritance: Autosomal recessive inheritance. Affected: yes.
Comment: The stop gained c.1212C>A(p.Tyr404Ter) variant in PINK1 gene has not been reported previously as a pathogenic variant nor as a benign variant, to our knowledge. The c.1212C>A variant is absent in gnomAD Exomes. This variant has not been reported to the ClinVar database. Computational evidence (MutationTaster - Disease causing) predict damaging effect on protein structure and function for this variant. This variant is predicted to cause loss of normal protein function through protein truncation. Loss of function variants have been previously reported to be disease causing. Additional functional studies are required to prove pathogenicity of the variant. For these reasons, this variant has been classified as Likely Pathogenic.

NM_032409.3(PINK1):c.1212C>A (p.Tyr404Ter)

Genes: PINK1 (PTEN induced kinase 1; plus strand), PINK1-AS (PINK1 antisense RNA; minus strand). Cytogenetic location: 1p36.12.
Variant type: single nucleotide variant.
Coding change: c.1212C>A on transcript NM_032409.3 (MANE Select); coding-DNA position 1212, C replaced by A.
Protein change: p.Tyr404Ter; replaces tyrosine 404 with a stop codon.
Molecular consequence: nonsense. On other transcripts: non-coding transcript variant (1).
Genome position (GRCh38, 1-based): chr1:20,648,593, C>A. VCF-style: chr1-20648593-C-A. GRCh37 (hg19) VCF-style: chr1-20975086-C-A.
Other names: short protein forms Y404*.
Identifiers: ClinVar variation 3731500 (VCV003731500.1).